The following is an entry in ClinVar:

NM_001267550.2(TTN):c.9812C>T (p.Ser3271Phe)

Gene: TTN (titin; minus strand). Cytogenetic location: 2q31.2.
Variant type: single nucleotide variant.
Coding change: c.9812C>T on transcript NM_001267550.2 (MANE Select); coding-DNA position 9812, C replaced by T.
Protein change: p.Ser3271Phe; replaces serine 3271 with phenylalanine.
Molecular consequence: missense variant.
Genome position (GRCh38, 1-based): chr2:178,764,703, G>A on the plus strand (C>T on the coding strand, the complement: TTN is on the minus strand). VCF-style: chr2-178764703-G-A. GRCh37 (hg19) VCF-style: chr2-179629430-G-A.
Other names: c.9812C>T, p.Ser3271Phe (NM_133378.4, NM_001256850.1, NM_133379.5); c.9674C>T, p.Ser3225Phe (NM_003319.4, NM_133432.3, NM_133437.4); short protein forms S3271F, S3225F.
Identifiers: ClinVar variation 263487 (VCV000263487.4), dbSNP rs867536098, ClinGen allele CA10587516.
Genomic context (GRCh38, chr2:178,764,703, plus strand): 5'-CCATCATGAAGAAATTTGCACTTGAAGCCAGTGGAAAGCAGCTGCTCTTCCTTGTACCAG[G>A]AAATTTTGGGCTGTGGTCTTCCGGATATCACGGCACAGAAGCGGGCAGGCTTGCCAGACT-3'
Protein context (NP_001254479.2, residues 3261-3281): VISGRPQPKI[Ser3271Phe]WYKEEQLLST

ClinVar aggregate classification (germline): Uncertain significance (1 of 4 stars; one submission).

Conditions:
Cardiovascular phenotype. Identifiers: MedGen CN230736.

Allele frequency attached by ClinVar (database versions not stated): gnomAD exomes below 0.00001.
gnomAD v4.1: 3 of 1,614,132 alleles (0.00019%); highest among the groups gnomAD compares: Admixed American, 0.0017%; no homozygotes.

Submission:

Ambry Genetics
Classification: Uncertain significance for Cardiovascular phenotype. Last evaluated: 2019-04-16. Review status: criteria provided, single submitter. Criteria: Ambry Autosomal Dominant and X-Linked criteria (3/2017). Collection method: clinical testing. Allele origin: germline. Observed: 1 variant allele.
Comment: The p.S3271F variant (also known as c.9812C>T), located in coding exon 41 of the TTN gene, results from a C to T substitution at nucleotide position 9812. The serine at codon 3271 is replaced by phenylalanine, an amino acid with highly dissimilar properties. This amino acid position is not well conserved in available vertebrate species. In addition, this alteration is predicted to be benign and unknown by PolyPhen and SIFT in silico analyses, respectively. Since supporting evidence is limited at this time, the clinical significance of this alteration remains unclear.